The following is an entry in ClinVar:

NM_014053.4(FLVCR1):c.15C>T (p.Asp5=)

Gene: FLVCR1 (FLVCR choline and heme transporter 1; plus strand). Cytogenetic location: 1q32.3.
Variant type: single nucleotide variant.
Coding change: c.15C>T on transcript NM_014053.4 (MANE Select); coding-DNA position 15, C replaced by T.
Protein change: p.Asp5=; no amino-acid change (aspartic acid 5 retained).
Molecular consequence: synonymous variant.
Genome position (GRCh38, 1-based): chr1:212,858,467, C>T. VCF-style: chr1-212858467-C-T. GRCh37 (hg19) VCF-style: chr1-213031809-C-T.
Other names: c.15C>T (NM_014053.3).
Identifiers: ClinVar variation 1575618 (VCV001575618.22), dbSNP rs1440383588, ClinGen allele CA423422371.

ClinVar aggregate classification (germline): Likely benign. Review status: criteria provided, multiple submitters, no conflicts (2 of 4 stars). 3 submissions from 3 submitters: Likely benign (3). Last evaluated 2025-12-30.

Conditions:
FLVCR1-related disorder. Also called: FLVCR1-related condition.

Allele frequency attached by ClinVar (database versions not stated): gnomAD 0.00001; gnomAD exomes 0.00004.
gnomAD v4.1: 21 of 1,439,950 alleles (0.0015%); highest among the groups gnomAD compares: East Asian, 0.05%; no homozygotes.

Submissions (3):

PreventionGenetics, part of Exact Sciences
Classification: Likely benign for FLVCR1-related condition. Last evaluated: 2025-12-30. Review status: criteria provided, single submitter. Criteria: ACMG Guidelines, 2015. Collection method: clinical testing. Allele origin: germline.
Comment: This variant is classified as likely benign based on ACMG/AMP sequence variant interpretation guidelines (Richards et al. 2015 PMID: 25741868, with internal and published modifications).

Labcorp Genetics (formerly Invitae), Labcorp
Classification: Likely benign. Last evaluated: 2025-05-19. Review status: criteria provided, single submitter. Criteria: Invitae Variant Classification Sherloc (09022015). Collection method: clinical testing. Allele origin: germline.

CeGaT Center for Human Genetics Tuebingen
Classification: Likely benign. Last evaluated: 2024-12-01. Review status: criteria provided, single submitter. Criteria: CeGaT Center For Human Genetics Tuebingen Variant Classification Criteria Version 2. Collection method: clinical testing. Allele origin: germline. Affected: yes. Observed: 1 variant allele.
Comment: FLVCR1: BP4, BP7